The following is an entry in ClinVar:

ClinVar aggregate classification (germline): Pathogenic/Likely pathogenic. Review status: criteria provided, multiple submitters, no conflicts (2 of 4 stars). 5 submissions from 5 submitters: Pathogenic (2); Likely pathogenic (2). 1 of the submissions does not count toward it. Last evaluated 2024-02-06.

Conditions:
Multiple epiphyseal dysplasia type 4 (EDM4). Also called: MULTIPLE EPIPHYSEAL DYSPLASIA WITH BILAYERED PATELLAE; MULTIPLE EPIPHYSEAL DYSPLASIA WITH CLUBFOOT; MULTIPLE EPIPHYSEAL DYSPLASIA, AUTOSOMAL RECESSIVE; SLC26A2-Related Multiple Epiphyseal Dysplasia; Multiple Epiphyseal Dysplasia, Recessive. Identifiers: Orphanet 93307, MedGen C1847593, MONDO:0009189, OMIM 226900.
Achondrogenesis, type IB (ACG1B). Also called: Achondrogenesis Type 1B. Identifiers: Orphanet 932, Orphanet 93298, MedGen C0265274, MONDO:0010966, OMIM 600972.
Atelosteogenesis type II (AO2). Also called: NEONATAL OSSEOUS DYSPLASIA I; Neonatal osseous dysplasia 1; SLC26A2-Related Atelosteogenesis. Identifiers: Orphanet 56304, MedGen C1850554, MONDO:0009727, OMIM 256050.
Diastrophic dysplasia (DTD). Also called: Diastrophic dwarfism. Identifiers: Orphanet 628, MedGen C0220726, MONDO:0009107, OMIM 222600.
Sulfate transporter-related osteochondrodysplasia. Also called: DTDST-related dysplasias. Identifiers: MedGen CN120497. Disease mechanism: loss of function.

Submissions (5):

Baylor Genetics
Classification: Pathogenic for Achondrogenesis, type IB. Last evaluated: 2024-02-06. Review status: criteria provided, single submitter. Criteria: ACMG Guidelines, 2015. Collection method: clinical testing. Allele origin: unknown.

Labcorp Genetics (formerly Invitae), Labcorp
Classification: Pathogenic for Atelosteogenesis type II; Multiple epiphyseal dysplasia type 4; Achondrogenesis, type IB; Diastrophic dysplasia. Last evaluated: 2023-09-12. Review status: criteria provided, single submitter. Criteria: Invitae Variant Classification Sherloc (09022015). Collection method: clinical testing. Allele origin: germline.
Comment: This sequence change creates a premature translational stop signal (p.Tyr151Ilefs*21) in the SLC26A2 gene. It is expected to result in an absent or disrupted protein product. Loss-of-function variants in SLC26A2 are known to be pathogenic (PMID: 7923357, 10482955, 11241838). This variant is present in population databases (rs775460563, gnomAD 0.004%). This premature translational stop signal has been observed in individual(s) with achondrogenesis (PMID: 8528239). This variant is also known as deltaT476. ClinVar contains an entry for this variant (Variation ID: 189077). For these reasons, this variant has been classified as Pathogenic.

Fulgent Genetics
Classification: Likely pathogenic for Diastrophic dysplasia; Multiple epiphyseal dysplasia type 4; Atelosteogenesis type II; Achondrogenesis, type IB. Last evaluated: 2021-12-02. Review status: criteria provided, single submitter. Criteria: ACMG Guidelines, 2015. Collection method: clinical testing. Allele origin: unknown.

Women's Health and Genetics/Laboratory Corporation of America, LabCorp
Classification: Likely pathogenic for Osteochondrodysplasia. Last evaluated: 2018-10-22. Review status: criteria provided, single submitter. Criteria: LabCorp Variant Classification Summary - May 2015. Collection method: clinical testing. Allele origin: germline.
Comment: Variant summary: SLC26A2 c.451delT (p.Tyr151IlefsX21) results in a premature termination codon, predicted to cause a truncation of the encoded protein or absence of the protein due to nonsense mediated decay, which are commonly known mechanisms for disease. Truncations downstream of this position have been classified as pathogenic by our laboratory (e.g., p.Arg178X and p.Lys575fsX10). The variant allele was found at a frequency of 1.7e-05 in 238100 control chromosomes (gnomAD). c.451delT has been reported in the literature in one individual affected with Sulfate Transporter-Related Osteochondrodysplasia. To our knowledge, no experimental evidence demonstrating an impact on protein function has been reported. No clinical diagnostic laboratories have submitted clinical-significance assessments for this variant to ClinVar after 2014. Based on the evidence outlined above, the variant was classified as likely pathogenic.

Counsyl
Classification: Likely pathogenic for Multiple epiphyseal dysplasia 4. Last evaluated: 2014-12-02. Review status: no assertion criteria provided. Collection method: literature only. Allele origin: unknown. Inheritance: Autosomal recessive inheritance. Not counted in ClinVar's aggregate classification.

Literature cited by the submitters: PubMed 7923357 (cited by Labcorp Genetics (formerly Invitae), Labcorp); PubMed 10482955 (cited by Labcorp Genetics (formerly Invitae), Labcorp); PubMed 11241838 (cited by Labcorp Genetics (formerly Invitae), Labcorp and Women's Health and Genetics/Laboratory Corporation of America, LabCorp); PubMed 8528239 (cited by 3 submitters).

NM_000112.4(SLC26A2):c.451del (p.Tyr151fs)

Gene: SLC26A2 (solute carrier family 26 member 2; plus strand). Cytogenetic location: 5q32.
Variant type: Deletion.
Coding change: c.451del on transcript NM_000112.4 (MANE Select); coding-DNA position 451, one base deleted (T; older notation c.451delT).
Protein change: p.Tyr151fs; shifts the reading frame from tyrosine 151.
Molecular consequence: frameshift variant.
Genome position (GRCh38, 1-based): chr5:149,978,103, T deleted; the last of 3 consecutive T bases (chr5:149,978,101-149,978,103); deleting any one gives the same sequence. VCF-style (leftmost placement, unchanged base first): chr5-149978100-AT-A. GRCh37 (hg19) VCF-style: chr5-149357663-AT-A.
Other names: c.451delT (NM_000112.3); short protein forms Y151fs.
Identifiers: ClinVar variation 189077 (VCV000189077.12), dbSNP rs786204675, ClinGen allele CA274352.